The following is an entry in ClinVar:

ClinVar aggregate classification (germline): Uncertain significance. Review status: criteria provided, multiple submitters, no conflicts (2 of 4 stars). 2 submissions from 2 submitters: Uncertain significance (2). Last evaluated 2025-04-01.

Conditions:
Immunodeficiency 132A. Also called: Herpes simplex encephalitis, susceptibility to, 3. Identifiers: Orphanet 1930, MedGen C3553868, MONDO:0013920, OMIM 614849.
TRAF3-related disorder. Also called: TRAF3 related condition.

Allele frequency attached by ClinVar (database versions not stated): gnomAD 0.00001; gnomAD exomes 0.00002 and 0.00005; TOPMed 0.00003; ExAC 0.00004.
gnomAD v4.1: 13 of 1,614,118 alleles (0.00081%); highest among the groups gnomAD compares: Admixed American, 0.022%; no homozygotes.

Submissions (2):

PreventionGenetics, part of Exact Sciences
Classification: Uncertain significance for TRAF3-related condition. Last evaluated: 2025-04-01. Review status: criteria provided, single submitter. Criteria: ACMG Guidelines, 2015. Collection method: clinical testing. Allele origin: germline.
Comment: The TRAF3 c.156G>T variant is predicted to result in the amino acid substitution p.Lys52Asn. To our knowledge, this variant has not been reported in the literature. This variant is reported in 0.035% of alleles in individuals of Latino descent in gnomAD. At this time, the clinical significance of this variant is uncertain due to the absence of conclusive functional and genetic evidence.

Labcorp Genetics (formerly Invitae), Labcorp
Classification: Uncertain significance for Immunodeficiency 132A. Last evaluated: 2023-08-10. Review status: criteria provided, single submitter. Criteria: Invitae Variant Classification Sherloc (09022015). Collection method: clinical testing. Allele origin: germline.
Comment: In summary, the available evidence is currently insufficient to determine the role of this variant in disease. Therefore, it has been classified as a Variant of Uncertain Significance. An algorithm developed to predict the effect of missense changes on protein structure and function (PolyPhen-2) suggests that this variant is likely to be disruptive. ClinVar contains an entry for this variant (Variation ID: 1392102). This variant has not been reported in the literature in individuals affected with TRAF3-related conditions. This variant is present in population databases (rs779844990, gnomAD 0.03%). This sequence change replaces lysine, which is basic and polar, with asparagine, which is neutral and polar, at codon 52 of the TRAF3 protein (p.Lys52Asn).

NM_145725.3(TRAF3):c.156G>T (p.Lys52Asn)

Gene: TRAF3 (TNF receptor associated factor 3; plus strand). Cytogenetic location: 14q32.32.
Variant type: single nucleotide variant.
Coding change: c.156G>T on transcript NM_145725.3 (MANE Select); coding-DNA position 156, G replaced by T.
Protein change: p.Lys52Asn; replaces lysine 52 with asparagine.
Molecular consequence: missense variant.
Genome position (GRCh38, 1-based): chr14:102,870,357, G>T. VCF-style: chr14-102870357-G-T. GRCh37 (hg19) VCF-style: chr14-103336694-G-T.
Other names: c.156G>T, p.Lys52Asn (NM_001199427.2, NM_001385142.1, NM_001385143.1 and 2 more transcripts); c.156G>T (NM_003300.3); short protein forms K52N.
Identifiers: ClinVar variation 1392102 (VCV001392102.9), dbSNP rs779844990, ClinGen allele CA7359163.